The following is an entry in ClinVar:

NM_001130987.2(DYSF):c.128dup (p.Asn44fs)

Gene: DYSF (dysferlin; plus strand). Cytogenetic location: 2p13.2.
Variant type: Duplication.
Coding change: c.128dup on transcript NM_001130987.2 (MANE Select); coding-DNA position 128, one base duplicated (T; older notation c.128dupT).
Protein change: p.Asn44fs; shifts the reading frame from asparagine 44.
Molecular consequence: frameshift variant.
Genome position (GRCh38, 1-based): chr2:71,480,919, T duplicated. VCF-style (leftmost placement, unchanged base first): chr2-71480918-G-GT. GRCh37 (hg19) VCF-style: chr2-71708048-G-GT.
Other names: NM_001130987.2(DYSF):c.128dup; p.Asn44fs; c.128dup, p.Asn44fs (NM_001130455.2, NM_001130982.2, NM_001130983.2 and 3 more transcripts); c.125dup, p.Asn43fs (NM_001130976.2, NM_001130977.2, NM_001130978.2 and 4 more transcripts); short protein forms N44fs, N43fs.
Identifiers: ClinVar variation 2100759 (VCV002100759.6), dbSNP rs1573399606, ClinGen allele CA916563969.

ClinVar aggregate classification (germline): Pathogenic. Review status: reviewed by expert panel (3 of 4 stars). 3 submissions from 3 submitters: Pathogenic (1). 2 of the submissions do not count toward it. Last evaluated 2025-02-25.

Conditions:
Miyoshi muscular dystrophy 1 (MMD1). Identifiers: Orphanet 45448, MedGen C4551973, MONDO:0024545, OMIM 254130.
Autosomal recessive limb-girdle muscular dystrophy. Identifiers: Orphanet 102015, MedGen C2931907, MONDO:0015152.
Neuromuscular disease caused by qualitative or quantitative defects of dysferlin. Also called: Qualitative or quantitative defects of dysferlin; Dysferlinopathy. Identifiers: Orphanet 207073, MedGen C2931687, MONDO:0016145.

Allele frequency attached by ClinVar (database versions not stated): gnomAD exomes below 0.00001; TOPMed below 0.00001.

Submissions (3):

ClinGen Limb Girdle Muscular Dystrophy Variant Curation Expert Panel, ClinGen
Classification: Pathogenic for Autosomal recessive limb-girdle muscular dystrophy. Last evaluated: 2025-02-25. Review status: reviewed by expert panel. Criteria: ClinGen LGMD VCEP ACMG Specifications DYSF V1.0.0. Collection method: curation. Allele origin: germline. Inheritance: Autosomal recessive inheritance.
Comment: The NM_003494.4: c.125dup p.(Asn43GlufsTer6) variant in DYSF, which is also known as NM_001130987.2: c.128dup (p.Asn44GlufsTer6), is a frameshift variant predicted to cause a premature stop codon in biologically relevant exon 2/55, leading to nonsense mediated decay in a gene in which loss of function is an established disease mechanism (PVS1). This variant has been reported in one individual with a diagnosis of Miyoshi myopathy, where it was identified in unknown phase with a second DYSF variant that can be classified as likely pathogenic independent of its observation in this patient (NM_003494.4: c.5159del p.(Arg1720LeufsTer2), 0.25 pts, PMID: 36983702; PM3_Supporting not met). This patient showed both progressive limb girdle muscle weakness and disease range dysferlin expression in blood monocytes (PMID: 36983702, Jain Foundation Registry internal data communication; PP4_Strong). The affected sibling of this patient carried the same two DYSF variants and also had disease range dysferlin protein expression in blood monocytes, but segregation could not be scored since the phase of the variants was not confirmed (PP1 not met). This variant is absent from gnomAD v2.1.1 and v4.1.0, although a different variant resulting in the same frameshift is present on one allele (PM2_Supporting). In summary, this variant meets the criteria to be classified as Pathogenic for autosomal recessive limb girdle muscular dystrophy based on the ACMG/AMP criteria applied, as specified by the ClinGen LGMD VCEP (LGMD VCEP specifications version 1.0.0; 02/25/2025): PVS1, PP4_Strong, PM2_Supporting.

Labcorp Genetics (formerly Invitae), Labcorp
Classification: Pathogenic for Neuromuscular disease caused by qualitative or quantitative defects of dysferlin. Last evaluated: 2023-04-14. Review status: criteria provided, single submitter. Criteria: Invitae Variant Classification Sherloc (09022015). Collection method: clinical testing. Allele origin: germline. Not counted in ClinVar's aggregate classification.
Comment: For these reasons, this variant has been classified as Pathogenic. ClinVar contains an entry for this variant (Variation ID: 2100759). This variant has not been reported in the literature in individuals affected with DYSF-related conditions. This variant is not present in population databases (gnomAD no frequency). This sequence change creates a premature translational stop signal (p.Asn43Glufs*6) in the DYSF gene. It is expected to result in an absent or disrupted protein product. Loss-of-function variants in DYSF are known to be pathogenic (PMID: 17698709, 20301480).

Baylor Genetics
Classification: Pathogenic for Miyoshi muscular dystrophy 1. Last evaluated: 2023-03-25. Review status: criteria provided, single submitter. Criteria: ACMG Guidelines, 2015. Collection method: clinical testing. Allele origin: unknown. Not counted in ClinVar's aggregate classification.

Literature cited by the submitters: PubMed 17698709 (cited by Labcorp Genetics (formerly Invitae), Labcorp); PubMed 20301480 (cited by Labcorp Genetics (formerly Invitae), Labcorp).